The following is an entry in ClinVar:

ClinVar aggregate classification (germline): Pathogenic. Review status: criteria provided, multiple submitters, no conflicts (2 of 4 stars). 6 submissions from 6 submitters: Pathogenic (5). 1 of the submissions does not count toward it. Last evaluated 2025-07-30.

Conditions:
AVPR2-related disorder. Also called: AVPR2-related condition.
Diabetes insipidus, nephrogenic, X-linked. Also called: Nephrogenic Diabetes Insipidus, Type I. Identifiers: Orphanet 223, MedGen C1563705, MONDO:0010581, OMIM 304800.

Allele frequency attached by ClinVar (database versions not stated): gnomAD exomes 0.00001.

Submissions (6):

Victorian Clinical Genetics Services, Murdoch Childrens Research Institute
Classification: Pathogenic for Diabetes insipidus, nephrogenic, X-linked. Last evaluated: 2025-07-30. Review status: criteria provided, single submitter. Criteria: ACMG Guidelines, 2015. Collection method: clinical testing. Allele origin: germline. Affected: yes.
Comment: This variant is classified as Pathogenic. Evidence in support of pathogenic classification: Variant is present in gnomAD <0.01 for a recessive condition (v2: 1 heterozygote(s), 0 homozygote(s), 0 hemizygote(s)); This variant has strong previous evidence of pathogenicity in unrelated individuals. This variant has been classified as pathogenic by clinical laboratories in ClinVar, and reported in the literature in individuals with nephrogenic diabetes insipidus (PMIDs: 38622833, 34101133, 29594432, 35368817, 7933835, 25324589, 10770218, 8037205); Missense variant predicted to be damaging by in silico tool(s) or highly conserved with a major amino acid change. Additional information: Variant is predicted to result in a missense amino acid change from Arg to Trp; This variant is hemizygous; This gene is associated with X-linked recessive disease; Alternative amino acid change(s) at the same position are present in gnomAD (Highest allele count: v4: 5 heterozygote(s), 0 homozygote(s), 0 hemizygote(s)); Variant is located in the annotated 7 transmembrane receptor (rhodopsin family) domain (DECIPHER); Loss of function and gain of function are known mechanisms of disease in this gene and are associated with nephrogenic diabetes insipidus 1 (MIM#304800) and nephrogenic syndrome of inappropriate antidiuresis (MIM#300539), respectively (PMID: 27355191); Inheritance information for this variant is not currently available in this individual.

GeneDx
Classification: Pathogenic. Last evaluated: 2025-06-24. Review status: criteria provided, single submitter. Criteria: GeneDx Variant Classification Process June 2021. Collection method: clinical testing. Allele origin: germline. Affected: yes.
Comment: Published functional studies suggest a damaging effect as the p.(R113W) resulted in absent AVP binding, lowered cAMP response and variable half-life compared to wild-type (PMID: 16006591); Not observed at significant frequency in large population cohorts (gnomAD); In silico analysis supports that this missense variant has a deleterious effect on protein structure/function; This variant is associated with the following publications: (PMID: 17371330, 7984150, 29594432, 10770218, 34101133, 8104196, 35368817, 8037205, 38622833, 16006591)

Labcorp Genetics (formerly Invitae), Labcorp
Classification: Pathogenic. Last evaluated: 2025-01-20. Review status: criteria provided, single submitter. Criteria: Invitae Variant Classification Sherloc (09022015). Collection method: clinical testing. Allele origin: germline.
Comment: This sequence change replaces arginine, which is basic and polar, with tryptophan, which is neutral and slightly polar, at codon 113 of the AVPR2 protein (p.Arg113Trp). The frequency data for this variant in the population databases is considered unreliable, as metrics indicate poor data quality at this position in the gnomAD database. This missense change has been observed in individuals with X-linked recessive nephrogenic diabetes insipidus (PMID: 8104196, 10770218, 29594432, 34101133). ClinVar contains an entry for this variant (Variation ID: 10840). Invitae Evidence Modeling of protein sequence and biophysical properties (such as structural, functional, and spatial information, amino acid conservation, physicochemical variation, residue mobility, and thermodynamic stability) indicates that this missense variant is expected to disrupt AVPR2 protein function with a positive predictive value of 80%. Experimental studies have shown that this missense change affects AVPR2 function (PMID: 7984150). This variant disrupts the p.Arg113 amino acid residue in AVPR2. Other variant(s) that disrupt this residue have been observed in individuals with AVPR2-related conditions (PMID: 33009446; internal data), which suggests that this may be a clinically significant amino acid residue. For these reasons, this variant has been classified as Pathogenic.

Blueprint Genetics
Classification: Pathogenic for AVPR2-related disorders. Last evaluated: 2020-09-21. Review status: criteria provided, single submitter. Criteria: ACMG Guidelines, 2015. Collection method: clinical testing. Allele origin: germline. Affected: yes. Observed: 1 variant allele.

Lifecell International Pvt. Ltd
Classification: Pathogenic for Diabetes insipidus, nephrogenic, X-linked. Review status: criteria provided, single submitter. Criteria: ACMG Guidelines, 2015. Collection method: clinical testing. Allele origin: germline. Inheritance: X-linked recessive inheritance. Affected: yes. Observed: 1 hemizygote.
Comment: A Hemizygote Missense variant c.337C>T in Exon 3 of the AVPR2 gene that results in the amino acid substitution p.Arg113Trp was identified. The observed variant has a minor allele frequency of 0.00001% in gnomAD exomes, respectively. The severity of the impact of this variant on the protein is medium, based on the effect of the protein and REVEL score . Rare Exome Variant Ensemble Learner (REVEL) is an ensembl method for predicting the pathogenicity of missense variants based on a combination of scores from 13 individual tools: MutPred, FATHMM v2.3, VEST 3.0, PolyPhen-2, SIFT, PROVEAN, MutationAssessor, MutationTaster, LRT, GERP++, SiPhy, phyloP, and phastCons. The REVEL score for an individual missense variant can range from 0 to 1, with higher scores reflecting greater likelihood that the variant is disease-causing. ClinVar has also classified this variant as Pathogenic (variant ID: 10840). This variant was reported among the patients for nephrogenic diabetes insipidus (Sonia Sharma et al., 2019). Based on the above evidence this variant has been classified as Pathogenic according to the ACMG guidelines.

OMIM
Classification: Pathogenic for DIABETES INSIPIDUS, NEPHROGENIC, 1, X-LINKED. Last evaluated: 1993-05-27. Review status: no assertion criteria provided. Collection method: literature only. Allele origin: germline. Not counted in ClinVar's aggregate classification.

Literature cited by the submitters: PubMed 7933835 (cited by Victorian Clinical Genetics Services, Murdoch Childrens Research Institute); PubMed 27355191 (cited by Victorian Clinical Genetics Services, Murdoch Childrens Research Institute); PubMed 38622833 (cited by Victorian Clinical Genetics Services, Murdoch Childrens Research Institute); PubMed 29594432 (cited by Victorian Clinical Genetics Services, Murdoch Childrens Research Institute and Labcorp Genetics (formerly Invitae), Labcorp); PubMed 34101133 (cited by Victorian Clinical Genetics Services, Murdoch Childrens Research Institute and Labcorp Genetics (formerly Invitae), Labcorp); PubMed 35368817 (cited by Victorian Clinical Genetics Services, Murdoch Childrens Research Institute); PubMed 8037205 (cited by Victorian Clinical Genetics Services, Murdoch Childrens Research Institute); PubMed 25324589 (cited by Victorian Clinical Genetics Services, Murdoch Childrens Research Institute); PubMed 10770218 (cited by Victorian Clinical Genetics Services, Murdoch Childrens Research Institute and Labcorp Genetics (formerly Invitae), Labcorp); PubMed 8104196 (cited by Labcorp Genetics (formerly Invitae), Labcorp); PubMed 7984150 (cited by Labcorp Genetics (formerly Invitae), Labcorp); PubMed 33009446 (cited by Labcorp Genetics (formerly Invitae), Labcorp); PubMed 30976394 (cited by Lifecell International Pvt. Ltd); PubMed 4886456 (cited by OMIM); PubMed 5309332 (cited by OMIM); PubMed 8479490 (cited by OMIM).

NM_000054.7(AVPR2):c.337C>T (p.Arg113Trp)

Gene: AVPR2 (arginine vasopressin receptor 2; plus strand). Cytogenetic location: Xq28.
Variant type: single nucleotide variant.
Coding change: c.337C>T on transcript NM_000054.7 (MANE Select); coding-DNA position 337, C replaced by T.
Protein change: p.Arg113Trp; replaces arginine 113 with tryptophan.
Molecular consequence: missense variant.
Genome position (GRCh38, 1-based): chrX:153,905,843, C>T. VCF-style: chrX-153905843-C-T. GRCh37 (hg19) VCF-style: chrX-153171297-C-T.
Other names: c.337C>T, p.Arg113Trp (NM_001146151.3); c.337C>T (NM_000054.4); short protein forms R113W.
Identifiers: ClinVar variation 10840 (VCV000010840.11), dbSNP rs28935496, ClinGen allele CA255567.